The following is an entry in ClinVar:

NM_005359.6(SMAD4):c.883C>G (p.Pro295Ala)

Gene: SMAD4 (SMAD family member 4; plus strand). Cytogenetic location: 18q21.2.
Variant type: single nucleotide variant.
Coding change: c.883C>G on transcript NM_005359.6 (MANE Select); coding-DNA position 883, C replaced by G.
Protein change: p.Pro295Ala; replaces proline 295 with alanine.
Molecular consequence: missense variant.
Genome position (GRCh38, 1-based): chr18:51,058,435, C>G. VCF-style: chr18-51058435-C-G. GRCh37 (hg19) VCF-style: chr18-48584805-C-G.
Other names: c.883C>G, p.Pro295Ala (NM_001407041.1, NM_001407042.1, NM_001407043.1); short protein forms P295A.
Identifiers: ClinVar variation 1764838 (VCV001764838.2), dbSNP rs1167543544, ClinGen allele CA402463579.
Genomic context (GRCh38, chr18:51,058,435, plus strand): 5'-CCATACACACCTAATTTGCCTCACCACCAAAACGGCCATCTTCAGCACCACCCGCCTATG[C>G]CGCCCCATCCCGGACATTACTGTAAGCTCTTGTTTTTGTTGTAAGGGCTATTTTTTTTTT-3'
Protein context (NP_005350.1, residues 285-305): NGHLQHHPPM[Pro295Ala]PHPGHYWPVH

ClinVar aggregate classification (germline): Uncertain significance (1 of 4 stars; one submission).

Conditions:
Hereditary cancer-predisposing syndrome. Also called: Neoplastic Syndromes, Hereditary; Tumor predisposition; Hereditary Cancer Syndrome; Hereditary neoplastic syndrome. Identifiers: Orphanet 140162, MedGen C0027672, MeSH D009386, MONDO:0015356.
Familial thoracic aortic aneurysm and aortic dissection (TAAD). Also called: Thoracic aortic aneurysms and dissections. Identifiers: Orphanet 91387, MedGen C4707243, MONDO:0019625.

Allele frequency attached by ClinVar (database versions not stated): TOPMed below 0.00001; gnomAD 0.00001.
gnomAD v4.1: 1 of 1,613,284 alleles (0.000062%); highest among the groups gnomAD compares: Non-Finnish European, 0.000085%; no homozygotes.

Submission:

Ambry Genetics
Classification: Uncertain significance for Hereditary cancer-predisposing syndrome; Familial thoracic aortic aneurysm and aortic dissection. Last evaluated: 2022-07-23. Review status: criteria provided, single submitter. Criteria: Ambry Variant Classification Scheme 2023. Collection method: clinical testing. Allele origin: germline.
Comment: The p.P295A variant (also known as c.883C>G), located in coding exon 6 of the SMAD4 gene, results from a C to G substitution at nucleotide position 883. The proline at codon 295 is replaced by alanine, an amino acid with highly similar properties. This amino acid position is conserved. In addition, the in silico prediction for this alteration is inconclusive. Since supporting evidence is limited at this time, the clinical significance of this alteration remains unclear.